The following is an entry in ClinVar:

NM_000135.4(FANCA):c.1877C>A (p.Ser626Tyr)

Gene: FANCA (FA complementation group A; minus strand). Cytogenetic location: 16q24.3.
Variant type: single nucleotide variant.
Coding change: c.1877C>A on transcript NM_000135.4 (MANE Select); coding-DNA position 1877, C replaced by A.
Protein change: p.Ser626Tyr; replaces serine 626 with tyrosine.
Molecular consequence: missense variant.
Genome position (GRCh38, 1-based): chr16:89,775,765, G>T on the plus strand (C>A on the coding strand, the complement: FANCA is on the minus strand). VCF-style: chr16-89775765-G-T. GRCh37 (hg19) VCF-style: chr16-89842173-G-T.
Other names: c.1877C>A, p.Ser626Tyr (NM_001286167.3); short protein forms S626Y.
Identifiers: ClinVar variation 4067994 (VCV004067994.2).

ClinVar aggregate classification (germline): Uncertain significance. Review status: criteria provided, single submitter (1 of 4 stars). 2 submissions from 2 submitters: Uncertain significance (1). 1 of the submissions does not count toward it. Last evaluated 2026-03-16.

Conditions:
Fanconi anemia (FA). Also called: Fanconi's anemia. Identifiers: Orphanet 84, MedGen C0015625, MeSH D005199, MONDO:0019391.
Inborn genetic diseases. Identifiers: MedGen C0950123, MeSH D030342.

gnomAD v4.1: 2 of 1,612,838 alleles (0.00012%); highest among the groups gnomAD compares: African/African-American, 0.0027%; no homozygotes.

Submissions (2):

Ambry Genetics
Classification: Uncertain significance for Inborn genetic diseases. Last evaluated: 2026-03-16. Review status: criteria provided, single submitter. Criteria: Ambry Variant Classification Scheme 2023. Collection method: clinical testing. Allele origin: germline.
Comment: The p.S626Y variant (also known as c.1877C>A), located in coding exon 21 of the FANCA gene, results from a C to A substitution at nucleotide position 1877. The serine at codon 626 is replaced by tyrosine, an amino acid with dissimilar properties. This amino acid position is conserved. In addition, this alteration is predicted to be tolerated by in silico analysis. Based on the available evidence, the clinical significance of this variant remains unclear.

Natera, Inc.
Classification: Uncertain significance for Fanconi anemia. Last evaluated: 2025-02-21. Review status: no assertion criteria provided. Collection method: clinical testing. Allele origin: germline. Not counted in ClinVar's aggregate classification.